The following is an entry in ClinVar:

NM_030912.3(TRIM8):c.74C>T (p.Pro25Leu)

Gene: TRIM8 (tripartite motif containing 8; plus strand). Cytogenetic location: 10q24.32.
Variant type: single nucleotide variant.
Coding change: c.74C>T on transcript NM_030912.3 (MANE Select); coding-DNA position 74, C replaced by T.
Protein change: p.Pro25Leu; replaces proline 25 with leucine.
Molecular consequence: missense variant. On other transcripts: non-coding transcript variant (1).
Genome position (GRCh38, 1-based): chr10:102,644,691, C>T. VCF-style: chr10-102644691-C-T. GRCh37 (hg19) VCF-style: chr10-104404448-C-T.
Other names: c.74C>T, p.Pro25Leu (NM_001345950.1); short protein forms P25L.
Identifiers: ClinVar variation 2007000 (VCV002007000.4), dbSNP rs2492887246, ClinGen allele CA377924132.

ClinVar aggregate classification (germline): Uncertain significance (1 of 4 stars; one submission).

Submission:

Labcorp Genetics (formerly Invitae), Labcorp
Classification: Uncertain significance. Last evaluated: 2022-06-15. Review status: criteria provided, single submitter. Criteria: Invitae Variant Classification Sherloc (09022015). Collection method: clinical testing. Allele origin: germline.
Comment: This sequence change replaces proline, which is neutral and non-polar, with leucine, which is neutral and non-polar, at codon 25 of the TRIM8 protein (p.Pro25Leu). This variant is not present in population databases (gnomAD no frequency). This variant has not been reported in the literature in individuals affected with TRIM8-related conditions. Algorithms developed to predict the effect of missense changes on protein structure and function (SIFT, PolyPhen-2, Align-GVGD) all suggest that this variant is likely to be disruptive. In summary, the available evidence is currently insufficient to determine the role of this variant in disease. Therefore, it has been classified as a Variant of Uncertain Significance.